The following is an entry in ClinVar:

NM_001290043.2(TAP2):c.2051C>T (p.Ala684Val)

Gene: TAP2 (transporter 2, ATP binding cassette subfamily B member; minus strand). Cytogenetic location: 6p21.32.
Variant type: single nucleotide variant.
Coding change: c.2051C>T on transcript NM_001290043.2 (MANE Select); coding-DNA position 2051, C replaced by T.
Protein change: p.Ala684Val; replaces alanine 684 with valine.
Molecular consequence: missense variant. On other transcripts: intron variant (1).
Genome position (GRCh38, 1-based): chr6:32,828,916, G>A on the plus strand (C>T on the coding strand, the complement: TAP2 is on the minus strand). VCF-style: chr6-32828916-G-A. GRCh37 (hg19) VCF-style: chr6-32796693-G-A.
Other names: c.1932+484C>T (NM_018833.3); c.2051C>T, p.Ala684Val (NM_000544.3); short protein forms A684V.
Identifiers: ClinVar variation 843377 (VCV000843377.7), dbSNP rs184698711, ClinGen allele CA3745734.

ClinVar aggregate classification (germline): Uncertain significance (1 of 4 stars; one submission).

Conditions:
MHC class I deficiency. Identifiers: Orphanet 34592, MedGen C6024714, MONDO:0011476.

Allele frequency attached by ClinVar (database versions not stated): gnomAD exomes 0.00002; gnomAD 0.00009 and 0.00007; TOPMed 0.00004; ExAC 0.00019; 1000 Genomes Project 30x 0.00016; 1000 Genomes Project 0.00020.
gnomAD v4.1: 50 of 1,545,216 alleles (0.0032%); highest among the groups gnomAD compares: African/African-American, 0.036%; 3 homozygotes.

Submission:

Labcorp Genetics (formerly Invitae), Labcorp
Classification: Uncertain significance for MHC class I deficiency 1. Last evaluated: 2022-09-07. Review status: criteria provided, single submitter. Criteria: Invitae Variant Classification Sherloc (09022015). Collection method: clinical testing. Allele origin: germline.
Comment: This sequence change replaces alanine, which is neutral and non-polar, with valine, which is neutral and non-polar, at codon 684 of the TAP2 protein (p.Ala684Val). The frequency data for this variant in the population databases is considered unreliable, as metrics indicate poor data quality at this position in the gnomAD database. This variant has not been reported in the literature in individuals affected with TAP2-related conditions. ClinVar contains an entry for this variant (Variation ID: 843377). Algorithms developed to predict the effect of missense changes on protein structure and function output the following: SIFT: "Tolerated"; PolyPhen-2: "Not Available"; Align-GVGD: "Class C0". The valine amino acid residue is found in multiple mammalian species, which suggests that this missense change does not adversely affect protein function. In summary, the available evidence is currently insufficient to determine the role of this variant in disease. Therefore, it has been classified as a Variant of Uncertain Significance.